The following is an entry in ClinVar:

ClinVar aggregate classification (germline): Uncertain significance (1 of 4 stars; one submission).

Submission:

Labcorp Genetics (formerly Invitae), Labcorp
Classification: Uncertain significance. Last evaluated: 2025-08-03. Review status: criteria provided, single submitter. Criteria: Invitae Variant Classification Sherloc (09022015). Collection method: clinical testing. Allele origin: germline.
Comment: This sequence change replaces serine, which is neutral and polar, with alanine, which is neutral and non-polar, at codon 694 of the ENPP1 protein (p.Ser694Ala). This variant is not present in population databases (gnomAD no frequency). This variant has not been reported in the literature in individuals affected with ENPP1-related conditions. Invitae Evidence Modeling of protein sequence and biophysical properties (such as structural, functional, and spatial information, amino acid conservation, physicochemical variation, residue mobility, and thermodynamic stability) indicates that this missense variant is not expected to disrupt ENPP1 protein function with a negative predictive value of 80%. In summary, the available evidence is currently insufficient to determine the role of this variant in disease. Therefore, it has been classified as a Variant of Uncertain Significance.

NM_006208.3(ENPP1):c.2080T>G (p.Ser694Ala)

Gene: ENPP1 (ectonucleotide pyrophosphatase/phosphodiesterase 1; plus strand). Cytogenetic location: 6q23.2.
Variant type: single nucleotide variant.
Coding change: c.2080T>G on transcript NM_006208.3 (MANE Select); coding-DNA position 2080, T replaced by G.
Protein change: p.Ser694Ala; replaces serine 694 with alanine.
Molecular consequence: missense variant.
Genome position (GRCh38, 1-based): chr6:131,880,014, T>G. VCF-style: chr6-131880014-T-G. GRCh37 (hg19) VCF-style: chr6-132201154-T-G.
Other names: short protein forms S694A.
Identifiers: ClinVar variation 4746500 (VCV004746500.1).